The following is an entry in ClinVar:

NM_016306.6(DNAJB11):c.151C>T (p.Gln51Ter)

Gene: DNAJB11 (DnaJ heat shock protein family (Hsp40) member B11; plus strand). Cytogenetic location: 3q27.3.
Variant type: single nucleotide variant.
Coding change: c.151C>T on transcript NM_016306.6 (MANE Select); coding-DNA position 151, C replaced by T.
Protein change: p.Gln51Ter; replaces glutamine 51 with a stop codon.
Molecular consequence: nonsense. On other transcripts: non-coding transcript variant (6).
Genome position (GRCh38, 1-based): chr3:186,572,177, C>T. VCF-style: chr3-186572177-C-T. GRCh37 (hg19) VCF-style: chr3-186289966-C-T.
Other names: c.151C>T, p.Gln51Ter (NM_001378451.1); short protein forms Q51*.
Identifiers: ClinVar variation 1805387 (VCV001805387.1), dbSNP rs2474556395, ClinGen allele CA355713107.
Genomic context (GRCh38, chr3:186,572,177, plus strand): 5'-GGGGTGCCTCGAAGTGCCTCTATAAAGGATATTAAAAAGGCCTATAGGAAACTAGCCCTG[C>T]AGCTTCATCCCGACCGGAACCCTGATGATCCACAAGCCCAGGAGAAATTCCAGGATCTGG-3'

ClinVar aggregate classification (germline): Pathogenic (1 of 4 stars; one submission).

Conditions:
Polycystic kidney disease 6 with or without polycystic liver disease. Also called: Autosomal Dominant Polycystic Kidney Disease-DNAJB11. Identifiers: MedGen C4748044, MONDO:0054842, OMIM 618061.

Submission:

Victorian Clinical Genetics Services, Murdoch Childrens Research Institute
Classification: Pathogenic for Polycystic kidney disease 6 with or without polycystic liver disease. Last evaluated: 2022-03-31. Review status: criteria provided, single submitter. Criteria: ACMG Guidelines, 2015. Collection method: clinical testing. Allele origin: germline. Inheritance: Autosomal dominant inheritance. Affected: yes.
Comment: Based on the classification scheme VCGS_Germline_v1.3.4, this variant is classified as Pathogenic. Following criteria are met: 0102 - Loss of function is a known mechanism of disease in this gene and is associated with polycystic kidney disease 6 with or without polycystic liver disease (MIM#618061). (I) 0107 - This gene is associated with autosomal dominant disease. (I) 0201 - Variant is predicted to cause nonsense-mediated decay (NMD) and loss of protein (premature termination codon is located at least 54 nucleotides upstream of the final exon-exon junction). (SP) 0251 - This variant is heterozygous. (I) 0301 - Variant is absent from gnomAD (both v2 and v3). (SP) 0701 - Other premature termination variants comparable to the one identified in this case have very strong previous evidence for pathogenicity. Many NMD-predicted variants have been reported in affected individuals (PMIDs: 29706351, 32631624). (SP) 0807 - This variant has no previous evidence of pathogenicity. (I) 0905 - No published segregation evidence has been identified for this variant. (I) 1007 - No published functional evidence has been identified for this variant. (I) 1208 - Inheritance information for this variant is not currently available in this individual. (I) Legend: (SP) - Supporting pathogenic, (I) - Information, (SB) - Supporting benign

Literature cited by the submitters: PubMed 29706351; PubMed 32631624.